The following is an entry in ClinVar:

ClinVar aggregate classification (germline): Likely benign. Review status: criteria provided, multiple submitters, no conflicts (2 of 4 stars). 3 submissions from 3 submitters: Likely benign (3). Last evaluated 2026-01-26.

Conditions:
Primary dilated cardiomyopathy (DCM). Also called: Dilated Cardiomyopathy. Identifiers: Orphanet 217604, MedGen C0007193, MeSH D002311, MONDO:0005021, HP:0001644. Inheritance: Various modes of inheritance.

Allele frequency attached by ClinVar (database versions not stated): TOPMed 0.00001.
gnomAD v4.1: 26 of 1,612,796 alleles (0.0016%); highest among the groups gnomAD compares: Non-Finnish European, 0.0021%; no homozygotes.

Submissions (3):

Labcorp Genetics (formerly Invitae), Labcorp
Classification: Likely benign for Primary dilated cardiomyopathy. Last evaluated: 2026-01-26. Review status: criteria provided, single submitter. Criteria: Invitae Variant Classification Sherloc (09022015). Collection method: clinical testing. Allele origin: germline.

Ambry Genetics
Classification: Likely benign. Last evaluated: 2025-08-31. Review status: criteria provided, single submitter. Criteria: Ambry Variant Classification Scheme 2023. Collection method: clinical testing. Allele origin: germline.

GeneDx
Classification: Likely benign. Last evaluated: 2016-08-03. Review status: criteria provided, single submitter. Criteria: GeneDx Variant Classification (06012015). Collection method: clinical testing. Allele origin: germline. Affected: yes.
Comment: This variant is considered likely benign or benign based on one or more of the following criteria: it is a conservative change, it occurs at a poorly conserved position in the protein, it is predicted to be benign by multiple in silico algorithms, and/or has population frequency not consistent with disease.

NM_006393.3(NEBL):c.228T>C (p.His76=)

Gene: NEBL (nebulette; minus strand). Cytogenetic location: 10p12.31.
Variant type: single nucleotide variant.
Coding change: c.228T>C on transcript NM_006393.3 (MANE Select); coding-DNA position 228, T replaced by C.
Protein change: p.His76=; no amino-acid change (histidine 76 retained).
Molecular consequence: synonymous variant. On other transcripts: intron variant (9).
Genome position (GRCh38, 1-based): chr10:20,889,875, A>G on the plus strand (T>C on the coding strand, the complement: NEBL is on the minus strand). VCF-style: chr10-20889875-A-G. GRCh37 (hg19) VCF-style: chr10-21178804-A-G.
Other names: c.249+71797T>C (NM_001377326.1, NM_001377327.1, NM_001377328.1); c.357+71797T>C (NM_213569.2, NM_001173484.2, NM_001377322.1); c.300+71797T>C (NM_001377324.1); c.291+71797T>C (NM_001377325.1); c.309+71797T>C (NM_001377323.1).
Identifiers: ClinVar variation 388398 (VCV000388398.3), dbSNP rs1057523090, ClinGen allele CA16605635.
Genomic context (GRCh38, chr10:20,889,875, plus strand): 5'-AAGCCAGTTTGCAAGCTTTTGATACCTTACCTCAGAAATAAAAGCACCGATATTTTTTAC[A>G]TGGTTTAGCATAGGACTGTCAGTCACAAATGTACACTTATCCTTGGACTTTTTAAACTCT-3'
Protein context (NP_006384.1, residues 66-86): TFVTDSPMLN[His76=]VKNIGAFISE